The following is an entry in ClinVar:

NM_000038.6(APC):c.7532T>C (p.Leu2511Pro)

Gene: APC (APC regulator of Wnt signaling pathway; plus strand). Cytogenetic location: 5q22.2.
Variant type: single nucleotide variant.
Coding change: c.7532T>C on transcript NM_000038.6 (MANE Select); coding-DNA position 7532, T replaced by C.
Protein change: p.Leu2511Pro; replaces leucine 2511 with proline.
Molecular consequence: missense variant.
Genome position (GRCh38, 1-based): chr5:112,843,126, T>C. VCF-style: chr5-112843126-T-C. GRCh37 (hg19) VCF-style: chr5-112178823-T-C.
Other names: c.7532T>C, p.Leu2511Pro (NM_001127510.3, NM_001354895.2); c.7478T>C, p.Leu2493Pro (NM_001127511.3); c.7586T>C, p.Leu2529Pro (NM_001354896.2); c.7562T>C, p.Leu2521Pro (NM_001354897.2); c.7457T>C, p.Leu2486Pro (NM_001354898.2); c.7448T>C, p.Leu2483Pro (NM_001354899.2); c.7409T>C, p.Leu2470Pro (NM_001354900.2); c.7355T>C, p.Leu2452Pro (NM_001354901.2); and 5 more; short protein forms L2511P, L2493P, L2228P, L2452P, L2483P, L2521P, L2529P, L2470P.
Identifiers: ClinVar variation 470096 (VCV000470096.10), dbSNP rs1554088437, ClinGen allele CA16037704.
Genomic context (GRCh38, chr5:112,843,126, plus strand): 5'-TGTCTCTATCCACACATTCGTCTGTTCAGGCTGGTGGATGGCGAAAACTCCCACCTAATC[T>C]CAGTCCCACTATAGAGTATAATGATGGAAGACCAGCAAAGCGCCATGATATTGCACGGTC-3'
Protein context (NP_000029.2, residues 2501-2521): AGGWRKLPPN[Leu2511Pro]SPTIEYNDGR

ClinVar aggregate classification (germline): Uncertain significance (1 of 4 stars; one submission).

Conditions:
Familial adenomatous polyposis 1 (FAP1). Also called: POLYPOSIS, ADENOMATOUS INTESTINAL; FAMILIAL ADENOMATOUS POLYPOSIS 1, ATTENUATED. Identifiers: MedGen C2713442, MONDO:0021056, OMIM 175100. Disease mechanism: loss of function.

Submission:

Labcorp Genetics (formerly Invitae), Labcorp
Classification: Uncertain significance for Familial adenomatous polyposis 1. Last evaluated: 2017-05-10. Review status: criteria provided, single submitter. Criteria: Invitae Variant Classification Sherloc (09022015). Collection method: clinical testing. Allele origin: germline.
Comment: Algorithms developed to predict the effect of missense changes on protein structure and function do not agree on the potential impact of this missense change (SIFT: "Tolerated"; PolyPhen-2: "Possibly Damaging"; Align-GVGD: "Class C0"). In summary, this variant is a novel missense change with uncertain impact on protein function. It has been classified as a Variant of Uncertain Significance. This variant is not present in population databases (ExAC no frequency) and has not been reported in the literature in individuals with an APC-related disease. This sequence change replaces leucine with proline at codon 2511 of the APC protein (p.Leu2511Pro). The leucine residue is highly conserved and there is a moderate physicochemical difference between leucine and proline.